The following is an entry in ClinVar:

NM_004385.5(VCAN):c.7904C>T (p.Thr2635Ile)

Genes: VCAN (versican; plus strand), VCAN-AS1 (VCAN antisense RNA 1; minus strand). Cytogenetic location: 5q14.3.
Variant type: single nucleotide variant.
Coding change: c.7904C>T on transcript NM_004385.5 (MANE Select); coding-DNA position 7904, C replaced by T.
Protein change: p.Thr2635Ile; replaces threonine 2635 with isoleucine.
Molecular consequence: missense variant. On other transcripts: intron variant (2).
Genome position (GRCh38, 1-based): chr5:83,540,907, C>T. VCF-style: chr5-83540907-C-T. GRCh37 (hg19) VCF-style: chr5-82836726-C-T.
Other names: c.4943C>T, p.Thr1648Ile (NM_001164097.2); c.4004-4630C>T (NM_001164098.2); c.1043-4630C>T (NM_001126336.3); short protein forms T1648I, T2635I.
Identifiers: ClinVar variation 1945766 (VCV001945766.5), dbSNP rs773441210, ClinGen allele CA3333710.

ClinVar aggregate classification (germline): Uncertain significance (1 of 4 stars; one submission).

Allele frequency attached by ClinVar (database versions not stated): TOPMed below 0.00001; ExAC 0.00001; gnomAD exomes 0.00001.
gnomAD v4.1: 7 of 1,613,940 alleles (0.00043%); highest among the groups gnomAD compares: East Asian, 0.0022%; no homozygotes.

Submission:

Labcorp Genetics (formerly Invitae), Labcorp
Classification: Uncertain significance. Last evaluated: 2025-01-05. Review status: criteria provided, single submitter. Criteria: Invitae Variant Classification Sherloc (09022015). Collection method: clinical testing. Allele origin: germline.
Comment: This sequence change replaces threonine, which is neutral and polar, with isoleucine, which is neutral and non-polar, at codon 2635 of the VCAN protein (p.Thr2635Ile). This variant is present in population databases (rs773441210, gnomAD 0.006%). This variant has not been reported in the literature in individuals affected with VCAN-related conditions. ClinVar contains an entry for this variant (Variation ID: 1945766). An algorithm developed to predict the effect of missense changes on protein structure and function (PolyPhen-2) suggests that this variant is likely to be tolerated. In summary, the available evidence is currently insufficient to determine the role of this variant in disease. Therefore, it has been classified as a Variant of Uncertain Significance.